The following is an entry in ClinVar:

ClinVar aggregate classification (germline): Uncertain significance (1 of 4 stars; one submission).

gnomAD v4.1: 1 of 1,551,158 alleles (0.000064%); highest among the groups gnomAD compares: Non-Finnish European, 0.000087%; no homozygotes.

Submission:

Labcorp Genetics (formerly Invitae), Labcorp
Classification: Uncertain significance. Last evaluated: 2020-08-21. Review status: criteria provided, single submitter. Criteria: Invitae Variant Classification Sherloc (09022015). Collection method: clinical testing. Allele origin: germline.
Comment: This sequence change replaces glycine with valine at codon 1354 of the EYS protein (p.Gly1354Val). The glycine residue is moderately conserved and there is a moderate physicochemical difference between glycine and valine. This variant is not present in population databases (ExAC no frequency). This variant has not been reported in the literature in individuals with EYS-related conditions. Algorithms developed to predict the effect of missense changes on protein structure and function are either unavailable or do not agree on the potential impact of this missense change (SIFT: "Tolerated"; PolyPhen-2: "Possibly Damaging"; Align-GVGD: "Class C0"). In summary, the available evidence is currently insufficient to determine the role of this variant in disease. Therefore, it has been classified as a Variant of Uncertain Significance.

NM_001142800.2(EYS):c.4061G>T (p.Gly1354Val)

Gene: EYS (EGF-like photoreceptor maintenance factor; minus strand). Cytogenetic location: 6q12.
Variant type: single nucleotide variant.
Coding change: c.4061G>T on transcript NM_001142800.2 (MANE Select); coding-DNA position 4061, G replaced by T.
Protein change: p.Gly1354Val; replaces glycine 1354 with valine.
Molecular consequence: missense variant.
Genome position (GRCh38, 1-based): chr6:64,591,806, C>A on the plus strand (G>T on the coding strand, the complement: EYS is on the minus strand). VCF-style: chr6-64591806-C-A. GRCh37 (hg19) VCF-style: chr6-65301699-C-A.
Other names: c.4061G>T, p.Gly1354Val (NM_001292009.2); short protein forms G1354V.
Identifiers: ClinVar variation 1015329 (VCV001015329.8), dbSNP rs1766421024, ClinGen allele CA364784126.